The following is an entry in ClinVar:

NM_000257.4(MYH7):c.5560-3C>T

Gene: MYH7 (myosin heavy chain 7; minus strand). Cytogenetic location: 14q11.2.
Variant type: single nucleotide variant.
Coding change: c.5560-3C>T on transcript NM_000257.4 (MANE Select); 3 bases into the intron before coding-DNA position 5560, C replaced by T.
Molecular consequence: intron variant.
Genome position (GRCh38, 1-based): chr14:23,414,105, G>A on the plus strand (C>T on the coding strand, the complement: MYH7 is on the minus strand). VCF-style: chr14-23414105-G-A. GRCh37 (hg19) VCF-style: chr14-23883314-G-A.
Identifiers: ClinVar variation 1470245 (VCV001470245.7), dbSNP rs2138636075, ClinGen allele CA2573149766.
Genomic context (GRCh38, chr14:23,414,105, plus strand): 5'-GCTGCAGCTTGTCTACCAGGTCCTGCAGCCGCAGCAGGTTTTTCCTGTCCTCCTCCGTCT[G>A]GGGGCCAGAGGGTAGGCAGGGGGTGAAGATGGCACAGTCATAGAAGGTAGCATCCCCTCC-3'

ClinVar aggregate classification (germline): Uncertain significance. Review status: criteria provided, multiple submitters, no conflicts (2 of 4 stars). 2 submissions from 2 submitters: Uncertain significance (2). Last evaluated 2024-06-03.

Conditions:
Hypertrophic cardiomyopathy. Also called: HYPERTROPHIC MYOCARDIOPATHY. Identifiers: Orphanet 217569, MedGen C0007194, MeSH D002312, MONDO:0005045, HP:0001639.

gnomAD v4.1: 1 of 1,611,146 alleles (0.000062%); no homozygotes.

Submissions (2):

Labcorp Genetics (formerly Invitae), Labcorp
Classification: Uncertain significance for Hypertrophic cardiomyopathy. Last evaluated: 2024-06-03. Review status: criteria provided, single submitter. Criteria: Invitae Variant Classification Sherloc (09022015). Collection method: clinical testing. Allele origin: germline.
Comment: This sequence change falls in intron 37 of the MYH7 gene. It does not directly change the encoded amino acid sequence of the MYH7 protein. It affects a nucleotide within the consensus splice site. This variant is not present in population databases (gnomAD no frequency). This variant has not been reported in the literature in individuals affected with MYH7-related conditions. ClinVar contains an entry for this variant (Variation ID: 1470245). Variants that disrupt the consensus splice site are a relatively common cause of aberrant splicing (PMID: 17576681, 9536098). Algorithms developed to predict the effect of sequence changes on RNA splicing suggest that this variant is not likely to affect RNA splicing. In summary, the available evidence is currently insufficient to determine the role of this variant in disease. Therefore, it has been classified as a Variant of Uncertain Significance.

Revvity Omics, Revvity
Classification: Uncertain significance. Last evaluated: 2023-08-17. Review status: criteria provided, single submitter. Criteria: ACMG Guidelines, 2015. Collection method: clinical testing. Allele origin: germline.

Literature cited by the submitters: PubMed 17576681 (cited by Labcorp Genetics (formerly Invitae), Labcorp); PubMed 9536098 (cited by Labcorp Genetics (formerly Invitae), Labcorp).